The following is an entry in ClinVar:

NM_001142800.2(EYS):c.6170A>G (p.Asn2057Ser)

Gene: EYS (eyes shut homolog; minus strand). Cytogenetic location: 6q12.
Variant type: single nucleotide variant.
Coding change: c.6170A>G on transcript NM_001142800.2 (MANE Select); coding-DNA position 6170, A replaced by G.
Protein change: p.Asn2057Ser; replaces asparagine 2057 with serine.
Molecular consequence: missense variant.
Genome position (GRCh38, 1-based): chr6:64,306,991, T>C on the plus strand (A>G on the coding strand, the complement: EYS is on the minus strand). VCF-style: chr6-64306991-T-C. GRCh37 (hg19) VCF-style: chr6-65016884-T-C.
Other names: c.6170A>G, p.Asn2057Ser (NM_001292009.2); short protein forms N2057S.
Identifiers: ClinVar variation 1502125 (VCV001502125.5), dbSNP rs2150375946, ClinGen allele CA364391711.

ClinVar aggregate classification (germline): Uncertain significance (1 of 4 stars; one submission).

gnomAD v4.1: 18 of 1,525,906 alleles (0.0012%); highest among the groups gnomAD compares: Non-Finnish European, 0.0016%; no homozygotes.

Submission:

Labcorp Genetics (formerly Invitae), Labcorp
Classification: Uncertain significance. Last evaluated: 2021-08-27. Review status: criteria provided, single submitter. Criteria: Invitae Variant Classification Sherloc (09022015). Collection method: clinical testing. Allele origin: germline.
Comment: This sequence change replaces asparagine with serine at codon 2057 of the EYS protein (p.Asn2057Ser). The asparagine residue is weakly conserved and there is a small physicochemical difference between asparagine and serine. This variant is not present in population databases (ExAC no frequency). This variant has not been reported in the literature in individuals affected with EYS-related conditions. Algorithms developed to predict the effect of missense changes on protein structure and function (SIFT, PolyPhen-2, Align-GVGD) all suggest that this variant is likely to be tolerated. In summary, the available evidence is currently insufficient to determine the role of this variant in disease. Therefore, it has been classified as a Variant of Uncertain Significance.